The following is an entry in ClinVar:

NC_000009.12:g.35658020_35658041dup

Gene: RMRP (RNA component of mitochondrial RNA processing endoribonuclease; minus strand). Cytogenetic location: 9p13.3.
Variant type: Duplication.
Genome position: GRCh38 VCF-style: chr9-35658019-A-ACGTCCTCAGCTTCACAGAGTAG. GRCh37 (hg19) VCF-style: chr9-35658016-A-ACGTCCTCAGCTTCACAGAGTAG.
Identifiers: ClinVar variation 1456738 (VCV001456738.6), dbSNP rs2131809514, ClinGen allele CA2573144648.

ClinVar aggregate classification (germline): Pathogenic (1 of 4 stars; one submission).

Conditions:
Anauxetic dysplasia. Identifiers: Orphanet 93347, MedGen C1846796, MONDO:0011773.

Submission:

Labcorp Genetics (formerly Invitae), Labcorp
Classification: Pathogenic for Anauxetic dysplasia. Last evaluated: 2025-07-14. Review status: criteria provided, single submitter. Criteria: Invitae Variant Classification Sherloc (09022015). Collection method: clinical testing. Allele origin: germline.
Comment: This variant occurs in the RMRP gene, which encodes an RNA molecule that does not result in a protein product. This variant is not present in population databases (gnomAD no frequency). While this particular variant has not been reported in the literature, it is located in the promoter region between the TATA box and the transcription initiation site, and other insertions and duplications immediately upstream of the coding sequence have been reported in individuals affected with cartilage-hair hypoplasia-anauxetic dysplasia (CHH-AD) spectrum disorders (PMID: 16244706, 11207361, 12107819). While functional studies for this variant have not been reported, experimental analyses using patient derived cells, as well as in vitro transfection studies, have shown that promoter insertions result in silencing of RMRP transcription and reduced expression of the gene product (PMID: 11207361, 16254002). For these reasons, this variant has been classified as Pathogenic.

Literature cited by the submitters: PubMed 16244706; PubMed 11207361; PubMed 12107819; PubMed 16254002.